The following is an entry in ClinVar:

ClinVar aggregate classification (germline): Pathogenic. Review status: criteria provided, multiple submitters, no conflicts (2 of 4 stars). 20 submissions from 20 submitters: Pathogenic (17). 3 of the submissions do not count toward it. Last evaluated 2026-06-30.

Conditions:
MYH9-related disorder. Identifiers: MedGen C1854520.
Autosomal dominant nonsyndromic hearing loss 17. Also called: Deafness, autosomal dominant 17; Autosomal dominant nonsyndromic deafness 17. Identifiers: Orphanet 90635, MedGen C1863659, MONDO:0011350, OMIM 603622.
Macrothrombocytopenia and granulocyte inclusions with or without nephritis or sensorineural hearing loss (MATINS). Also called: MAY-HEGGLIN ANOMALY; MACROTHROMBOCYTOPENIA WITH LEUKOCYTE INCLUSIONS; BLEEDING DISORDER, PLATELET-TYPE, 6; DOHLE LEUKOCYTE INCLUSIONS WITH GIANT PLATELETS; SEBASTIAN PLATELET SYNDROME; MACROTHROMBOCYTOPENIA WITH DISPERSED LEUKOCYTIC INCLUSIONS. Identifiers: Orphanet 182050, MedGen C5200934, MONDO:0015912, OMIM 155100.
Thrombocytopenia. Identifiers: MedGen C0040034, MeSH D013921, MONDO:0002049, HP:0001873.
Abnormal bleeding. Also called: Bleeding diathesis. Identifiers: MedGen C1458140, HP:0001892.

Allele frequency attached by ClinVar (database versions not stated): ExAC 0.00001; gnomAD exomes below 0.00001.
gnomAD v4.1: 3 of 1,612,858 alleles (0.00019%); highest among the groups gnomAD compares: African/African-American, 0.0013%; no homozygotes.

Submissions 1 to 9 of 20:

PreventionGenetics, part of Exact Sciences
Classification: Pathogenic for MYH9-related condition. Last evaluated: 2026-06-30. Review status: criteria provided, single submitter. Criteria: ACMG Guidelines, 2015. Collection method: clinical testing. Allele origin: germline.
Comment: The MYH9 c.5797C>T variant is predicted to result in premature protein termination (p.Arg1933*). This variant has been reported previously to be causative for MYH9-related disorders in several unrelated patients (see for example, Seri et al. 2003. PubMed ID: 12792306; Dong et al. 2005. PubMed ID: 16098078). This variant is reported in 0.00088% of alleles in individuals of European (Non-Finnish) descent in gnomAD. This variant is interpreted as pathogenic.

Women's Health and Genetics/Laboratory Corporation of America, LabCorp
Classification: Pathogenic for Macrothrombocytopenia and granulocyte inclusions with or without nephritis or sensorineural hearing loss. Last evaluated: 2026-06-15. Review status: criteria provided, single submitter. Criteria: LabCorp Variant Classification Summary - May 2015. Collection method: clinical testing. Allele origin: germline.
Comment: Variant summary: MYH9 c.5797C>T (p.Arg1933X) results in a premature termination codon, predicted to cause a truncation of the encoded protein or absence of the protein due to nonsense mediated decay, which are commonly known mechanisms for disease. The variant allele was found at a frequency of 4e-06 in 249706 control chromosomes. c.5797C>T has been observed in multiple individuals affected with Macrothrombocytopenia And Granulocyte Inclusions With Or Without Nephritis Or Sensorineural Hearing Loss (Seri_2000, Martignetti_2000). These data indicate that the variant is very likely to be associated with disease. At least one publication reports experimental evidence evaluating an impact on protein function (Franke_2005). The most pronounced variant effect results in aberrant aggregates compared to the highly-ordered paracrystal arrays/assemblies by wild type protein in an in vitro assay. The following publications have been ascertained in the context of this evaluation (PMID: 10739770, 10973259, 15339844). ClinVar contains an entry for this variant (Variation ID: 14072). Based on the evidence outlined above, the variant was classified as pathogenic.

Labcorp Genetics (formerly Invitae), Labcorp
Classification: Pathogenic. Last evaluated: 2025-12-31. Review status: criteria provided, single submitter. Criteria: Invitae Variant Classification Sherloc (09022015). Collection method: clinical testing. Allele origin: germline.
Comment: This sequence change creates a premature translational stop signal (p.Arg1933*) in the MYH9 gene. While this is not anticipated to result in nonsense mediated decay, it is expected to disrupt the last 28 amino acid(s) of the MYH9 protein. This variant is present in population databases (rs80338835, gnomAD 0.0009%). This premature translational stop signal has been observed in individuals with MYH9-related disorders (PMID: 10739770, 10973259, 23207509). It has also been observed to segregate with disease in related individuals. ClinVar contains an entry for this variant (Variation ID: 14072). For these reasons, this variant has been classified as Pathogenic.

GeneDx
Classification: Pathogenic. Last evaluated: 2025-10-24. Review status: criteria provided, single submitter. Criteria: GeneDx Variant Classification Process June 2021. Collection method: clinical testing. Allele origin: germline. Affected: yes.
Comment: Nonsense variant predicted to result in protein truncation, as the last 28 amino acid(s) are lost, and other loss-of-function variants have been reported downstream in HGMD; Not observed at significant frequency in large population cohorts (gnomAD); This variant is associated with the following publications: (PMID: 10739770, 31064749, 23207509, 15339844, 19572073, 20694274, 21429376, 10973259, 28880435, 11590545, 10973260, 19954613, 23759689, 27291889, 26226608, 30993846, 33855781, 28983057, 33217855, 34711031, 36404341, 35295078, 21833445, 24186861)

Mayo Clinic Laboratories, Mayo Clinic
Classification: Pathogenic. Last evaluated: 2024-12-11. Review status: criteria provided, single submitter. Criteria: ACMG Guidelines, 2015. Collection method: clinical testing. Allele origin: germline. Observed: 7 variant alleles.
Comment: PP1_strong, PP5, PM2_moderate, PS3, PS4, PVS1_strong

3billion
Classification: Pathogenic for Macrothrombocytopenia and granulocyte inclusions with or without nephritis or sensorineural hearing loss. Last evaluated: 2024-11-07. Review status: criteria provided, single submitter. Criteria: ACMG Guidelines, 2015. Collection method: clinical testing. Allele origin: germline. Affected: yes.
Comment: The variant is observed at an extremely low frequency in the gnomAD v4.1.0 dataset (total allele frequency: <0.001%). Predicted Consequence/Location: Stop-gained (nonsense): predicted to result in a loss or disruption of normal protein function through protein truncation. The predicted truncated protein may be shortened by less than 10%. The variant has been observed in multiple (>3) similarly affected unrelated individuals (PMID: 24186861). The variant has been reported at least twice as pathogenic with clinical assertions and evidence for the classification (ClinVar ID: VCV000014072 /PMID: 10973259). Therefore, this variant is classified as Pathogenic according to the recommendation of ACMG/AMP guideline.

Blueprint Genetics
Classification: Pathogenic for MYH9-related disorders. Last evaluated: 2024-09-02. Review status: criteria provided, single submitter. Criteria: ACMG Guidelines, 2015. Collection method: clinical testing. Allele origin: germline. Affected: yes. Observed: 5 variant alleles.

ARUP Laboratories, Molecular Genetics and Genomics, ARUP Laboratories
Classification: Pathogenic. Last evaluated: 2024-08-05. Review status: criteria provided, single submitter. Criteria: ARUP Molecular Germline Variant Investigation Process 2024. Collection method: clinical testing. Allele origin: germline.
Comment: The MYH9 c.5797C>T; p.Arg1933Ter variant (rs80338835, ClinVar Variation ID 14072) is reported in the literature in several individuals and families affected with MYH9-related disorders (Ali 2016, Pecci 2008, Safiullina 2022, Seri 2000, Sun 2013, Sung 2014). This variant is only observed on one allele in the Genome Aggregation Database (v2.1.1), indicating it is not a common polymorphism. This variant results in a premature termination codon in the last exon of the MYH9 gene. While this may not lead to nonsense-mediated decay, it is expected to create a truncated protein missing the final 28 amino acids. Functional analyses of the variant protein show disrupted filament assembly and megakaryocyte cell function (Franke 2005, Pecci 2009, Pecci 2011, Safiullina 2022). Additionally, several downstream truncating variants have been described in individuals with MYH9-related disorders and are considered pathogenic (Pecci 2008, Sun 2013). Based on available information, this variant is considered to be pathogenic. References: Ali S et al. Congenital macrothrombocytopenia is a heterogeneous disorder in India. Haemophilia. 2016 Jul;22(4):570-82. PMID: 27291889. Franke JD et al. Rod mutations associated with MYH9-related disorders disrupt nonmuscle myosin-IIA assembly. Blood. 2005 Jan 1;105(1):161-9. PMID: 15339844. Pecci A et al. Position of nonmuscle myosin heavy chain IIA (NMMHC-IIA) mutations predicts the natural history of MYH9-related disease. Hum Mutat. 2008 Mar;29(3):409-17. PMID: 18059020. Pecci A et al. Megakaryocytes of patients with MYH9-related thrombocytopenia present an altered proplatelet formation. Thromb Haemost. 2009 Jul;102(1):90-6. PMID: 19572073. Pecci A et al. Mutations responsible for MYH9-related thrombocytopenia impair SDF-1-driven migration of megakaryoblastic cells. Thromb Haemost. 2011 Oct;106(4):693-704. PMID: 21833445. Safiullina SI et al. A familial case of MYH9 gene mutation associated with multiple functional and structural platelet abnormalities. Sci Rep. 2022 Nov 20;12(1):19975. PMID: 36404341. Seri M et al. Mutations in MYH9 result in the May-Hegglin anomaly, and Fechtner and Sebastian syndromes. The May-Heggllin/Fechtner Syndrome Consortium. Nat Genet. 2000 Sep;26(1):103-5. PMID: 10973259. Sun XH et al. Clinical, pathological, and genetic analysis of ten patients with MYH9-related disease. Acta Haematol. 2013;129(2):106-13. PMID: 23207509. Sung CC et al. R1933X mutation in the MYH9 gene in May-Hegglin anomaly mimicking idiopathic thrombocytopenic purpura. J Formos Med Assoc. 2014 Jan;113(1):56-9. PMID: 23759689. Gene statement: Pathogenic variants in MYH9 are associated with autosomal dominant deafness 17 (MIM: 603622) and autosomal dominant macrothrombocytopenia/granulocyte inclusions with or without nephritis or sensorineural hearing loss (MIM: 155100).

Fulgent Genetics
Classification: Pathogenic for Macrothrombocytopenia and granulocyte inclusions with or without nephritis or sensorineural hearing loss; Autosomal dominant nonsyndromic hearing loss 17. Last evaluated: 2024-06-06. Review status: criteria provided, single submitter. Criteria: ACMG Guidelines, 2015. Collection method: clinical testing. Allele origin: germline.

NM_002473.6(MYH9):c.5797C>T (p.Arg1933Ter)

Gene: MYH9 (myosin heavy chain 9; minus strand). Cytogenetic location: 22q12.3.
Variant type: single nucleotide variant.
Coding change: c.5797C>T on transcript NM_002473.6 (MANE Select); coding-DNA position 5797, C replaced by T.
Protein change: p.Arg1933Ter; replaces arginine 1933 with a stop codon.
Molecular consequence: nonsense.
Genome position (GRCh38, 1-based): chr22:36,282,754, G>A on the plus strand (C>T on the coding strand, the complement: MYH9 is on the minus strand). VCF-style: chr22-36282754-G-A. GRCh37 (hg19) VCF-style: chr22-36678800-G-A.
Other names: p.Arg1933*; short protein forms R1933*.
Identifiers: ClinVar variation 14072 (VCV000014072.77), dbSNP rs80338835, ClinGen allele CA257082.